The following is an entry in ClinVar:

ClinVar aggregate classification (germline): Uncertain significance (1 of 4 stars; one submission).

Conditions:
Congenital myasthenic syndrome 5. Identifiers: Orphanet 590, MedGen C1864233, MONDO:0011281, OMIM 603034.

gnomAD v4.1: 2 of 1,604,904 alleles (0.00012%); highest among the groups gnomAD compares: Non-Finnish European, 0.00017%; no homozygotes.

Submission:

Labcorp Genetics (formerly Invitae), Labcorp
Classification: Uncertain significance for Congenital myasthenic syndrome 5. Last evaluated: 2021-10-19. Review status: criteria provided, single submitter. Criteria: Invitae Variant Classification Sherloc (09022015). Collection method: clinical testing. Allele origin: germline.
Comment: Algorithms developed to predict the effect of missense changes on protein structure and function are either unavailable or do not agree on the potential impact of this missense change (SIFT: "Deleterious"; PolyPhen-2: "Not Available"; Align-GVGD: "Class C65"). In summary, the available evidence is currently insufficient to determine the role of this variant in disease. Therefore, it has been classified as a Variant of Uncertain Significance. Algorithms developed to predict the effect of sequence changes on RNA splicing suggest that this variant may create or strengthen a splice site. This variant has not been reported in the literature in individuals affected with COLQ-related conditions. This variant is not present in population databases (ExAC no frequency). This sequence change replaces glycine with valine at codon 132 of the COLQ protein (p.Gly132Val). The glycine residue is highly conserved and there is a moderate physicochemical difference between glycine and valine.

NM_005677.4(COLQ):c.395G>T (p.Gly132Val)

Gene: COLQ (collagen like tail subunit of asymmetric acetylcholinesterase; minus strand). Cytogenetic location: 3p25.1.
Variant type: single nucleotide variant.
Coding change: c.395G>T on transcript NM_005677.4 (MANE Select); coding-DNA position 395, G replaced by T.
Protein change: p.Gly132Val; replaces glycine 132 with valine.
Molecular consequence: missense variant.
Genome position (GRCh38, 1-based): chr3:15,477,196, C>A on the plus strand (G>T on the coding strand, the complement: COLQ is on the minus strand). VCF-style: chr3-15477196-C-A. GRCh37 (hg19) VCF-style: chr3-15518703-C-A.
Other names: c.365G>T, p.Gly122Val (NM_080538.2); c.293G>T, p.Gly98Val (NM_080539.4); short protein forms G122V, G132V, G98V.
Identifiers: ClinVar variation 1387882 (VCV001387882.6), dbSNP rs1272787369, ClinGen allele CA351599436.